The following is an entry in ClinVar:

ClinVar aggregate classification (germline): Uncertain significance (1 of 4 stars; one submission).

Conditions:
Fanconi anemia (FA). Also called: Fanconi's anemia. Identifiers: Orphanet 84, MedGen C0015625, MeSH D005199, MONDO:0019391.

Submission:

Labcorp Genetics (formerly Invitae), Labcorp
Classification: Uncertain significance for Fanconi anemia. Last evaluated: 2022-03-07. Review status: criteria provided, single submitter. Criteria: Invitae Variant Classification Sherloc (09022015). Collection method: clinical testing. Allele origin: germline.
Comment: In summary, the available evidence is currently insufficient to determine the role of this variant in disease. Therefore, it has been classified as a Variant of Uncertain Significance. Algorithms developed to predict the effect of missense changes on protein structure and function are either unavailable or do not agree on the potential impact of this missense change (SIFT: "Deleterious"; PolyPhen-2: "Benign"; Align-GVGD: "Class C0"). This variant has not been reported in the literature in individuals affected with FANCI-related conditions. This variant is not present in population databases (gnomAD no frequency). This sequence change replaces serine, which is neutral and polar, with asparagine, which is neutral and polar, at codon 979 of the FANCI protein (p.Ser979Asn).

NM_001113378.2(FANCI):c.2936G>A (p.Ser979Asn)

Gene: FANCI (FA complementation group I; plus strand). Cytogenetic location: 15q26.1.
Variant type: single nucleotide variant.
Coding change: c.2936G>A on transcript NM_001113378.2 (MANE Select); coding-DNA position 2936, G replaced by A.
Protein change: p.Ser979Asn; replaces serine 979 with asparagine.
Molecular consequence: missense variant.
Genome position (GRCh38, 1-based): chr15:89,301,372, G>A. VCF-style: chr15-89301372-G-A. GRCh37 (hg19) VCF-style: chr15-89844603-G-A.
Other names: c.2657G>A, p.Ser886Asn (NM_001376910.1); c.2936G>A, p.Ser979Asn (NM_001376911.1); c.2756G>A, p.Ser919Asn (NM_018193.3); short protein forms S886N, S919N, S979N.
Identifiers: ClinVar variation 1438665 (VCV001438665.6), dbSNP rs769453869, ClinGen allele CA393737723.